The following is an entry in ClinVar:

ClinVar aggregate classification (germline): Uncertain significance (1 of 4 stars; one submission).

gnomAD v4.1: 2 of 1,614,078 alleles (0.00012%); highest among the groups gnomAD compares: Non-Finnish European, 0.00017%; no homozygotes.

Submission:

Labcorp Genetics (formerly Invitae), Labcorp
Classification: Uncertain significance. Last evaluated: 2024-11-04. Review status: criteria provided, single submitter. Criteria: Invitae Variant Classification Sherloc (09022015). Collection method: clinical testing. Allele origin: germline.
Comment: This sequence change replaces serine, which is neutral and polar, with glycine, which is neutral and non-polar, at codon 436 of the HTRA1 protein (p.Ser436Gly). This variant is not present in population databases (gnomAD no frequency). This variant has not been reported in the literature in individuals affected with HTRA1-related conditions. Invitae Evidence Modeling of protein sequence and biophysical properties (such as structural, functional, and spatial information, amino acid conservation, physicochemical variation, residue mobility, and thermodynamic stability) indicates that this missense variant is not expected to disrupt HTRA1 protein function with a negative predictive value of 95%. In summary, the available evidence is currently insufficient to determine the role of this variant in disease. Therefore, it has been classified as a Variant of Uncertain Significance.

NM_002775.5(HTRA1):c.1306A>G (p.Ser436Gly)

Gene: HTRA1 (HtrA serine peptidase 1; plus strand). Cytogenetic location: 10q26.13.
Variant type: single nucleotide variant.
Coding change: c.1306A>G on transcript NM_002775.5 (MANE Select); coding-DNA position 1306, A replaced by G.
Protein change: p.Ser436Gly; replaces serine 436 with glycine.
Molecular consequence: missense variant.
Genome position (GRCh38, 1-based): chr10:122,514,222, A>G. VCF-style: chr10-122514222-A-G. GRCh37 (hg19) VCF-style: chr10-124273738-A-G.
Other names: short protein forms S436G.
Identifiers: ClinVar variation 3694839 (VCV003694839.2).
Genomic context (GRCh38, chr10:122,514,222, plus strand): 5'-TTGCCATTGTGTTTCCCTTTGTGTTGCAGTGGTGGTCTCAAGGAAAACGACGTCATAATC[A>G]GCATCAATGGACAGTCCGTGGTCTCCGCCAATGATGTCAGCGACGTCATTAAAAGGGAAA-3'
Protein context (NP_002766.1, residues 426-446): GGLKENDVII[Ser436Gly]INGQSVVSAN